The following is an entry in ClinVar:

ClinVar aggregate classification (germline): Pathogenic. Review status: reviewed by expert panel (3 of 4 stars). 14 submissions from 14 submitters: Pathogenic (1). 13 of the submissions do not count toward it. Last evaluated 2013-09-05.

Conditions:
Hereditary nonpolyposis colon cancer (HNPCC). Also called: Hereditary Nonpolyposis Colorectal Cancer Syndrome; Hereditary nonpolyposis colorectal cancer; Familial nonpolyposis colon cancer. Identifiers: Orphanet 443909, MedGen C1333990, MONDO:0018630. Disease mechanism: loss of function.
PMS2-related disorder. Also called: PMS2-related condition.
Hereditary nonpolyposis colorectal neoplasms. Identifiers: MedGen C0009405, MeSH D003123.
Lynch syndrome 4 (LYNCH4). Also called: Colorectal cancer, hereditary nonpolyposis, type 4; Hereditary non-polyposis colorectal cancer, type 4. Identifiers: Orphanet 144, MedGen C1838333, MONDO:0013699, OMIM 614337. Disease mechanism: loss of function.
Mismatch repair cancer syndrome 4. Identifiers: MedGen C5436817, MONDO:0030843, OMIM 619101.
Hereditary cancer-predisposing syndrome. Also called: Hereditary Cancer Syndrome; Tumor predisposition; Neoplastic Syndromes, Hereditary; Hereditary neoplastic syndrome. Identifiers: Orphanet 140162, MedGen C0027672, MeSH D009386, MONDO:0015356.
Lynch syndrome. Identifiers: Orphanet 144, MedGen C4552100, MONDO:0005835. Disease mechanism: loss of function.

Submissions (14):

International Society for Gastrointestinal Hereditary Tumours (InSiGHT)
Classification: Pathogenic for Lynch Syndrome. Last evaluated: 2013-09-05. Review status: reviewed by expert panel. Criteria: Guidelines v1.9. Collection method: research. Allele origin: germline.
Comment: Coding sequence variation resulting in a stop codon

Classified with v1.9 guidelines

CeGaT Center for Human Genetics Tuebingen
Classification: Pathogenic. Last evaluated: 2025-08-01. Review status: criteria provided, single submitter. Criteria: CeGaT Center For Human Genetics Tuebingen Variant Classification Criteria Version 2. Collection method: clinical testing. Allele origin: germline. Affected: yes. Observed: 3 variant alleles. Not counted in ClinVar's aggregate classification.
Comment: PMS2: PVS1, PM2, PS4:Moderate

Center for Genomic Medicine, Rigshospitalet, Copenhagen University Hospital
Classification: Pathogenic. Last evaluated: 2025-03-04. Review status: criteria provided, single submitter. Criteria: ACMG Guidelines, 2015. Collection method: clinical testing. Allele origin: germline. Not counted in ClinVar's aggregate classification.

GeneDx
Classification: Pathogenic. Last evaluated: 2025-01-29. Review status: criteria provided, single submitter. Criteria: GeneDx Variant Classification Process June 2021. Collection method: clinical testing. Allele origin: germline. Affected: yes. Not counted in ClinVar's aggregate classification.
Comment: Frameshift variant predicted to result in protein truncation or nonsense mediated decay in a gene for which loss of function is a known mechanism of disease; Not observed at significant frequency in large population cohorts (gnomAD); Variant has been observed in individuals with a personal history of colon and/or endometrial cancer (PMID: 25856668, 18602922); Truncating variants in this gene are considered pathogenic by a well-established clinical consortium and/or database; This variant is associated with the following publications: (PMID: 18602922, 23012243, 25856668, 29506128, 30161022, 36593122, 37239058, 37308967, 30376427)

Color Diagnostics, LLC DBA Color Health
Classification: Pathogenic for Hereditary cancer-predisposing syndrome. Last evaluated: 2024-09-30. Review status: criteria provided, single submitter. Criteria: ACMG Guidelines, 2015. Collection method: clinical testing. Allele origin: germline. Not counted in ClinVar's aggregate classification.
Comment: This variant inserts 1 nucleotide in exon 10 of the PMS2 gene, creating a frameshift and premature translation stop signal. This variant is expected to result in an absent or non-functional protein product. This variant has been reported in an individual affected with early-onset colorectal that displayed high microsatellite instability (PMID: 25856668), an individual affected with endometrial and cecum cancers (PMID: 18602922), an individual affected with microsatellite stable pancreatic neoplasms (PMID: 30376427) who also carried a CHEK2 variant, as well as an individual affected with an unspecified tumor that displayed loss of PMS2 expression (PMID: 23012243). This variant has not been identified in the general population by the Genome Aggregation Database (gnomAD). Loss of PMS2 function is a known mechanism of disease. Based on the available evidence, this variant is classified as Pathogenic.

All of Us Research Program, National Institutes of Health
Classification: Pathogenic for Lynch syndrome. Last evaluated: 2024-09-27. Review status: criteria provided, single submitter. Criteria: ACMG Guidelines, 2015. Collection method: clinical testing. Allele origin: germline. Inheritance: Autosomal dominant inheritance. Observed: 2 variant alleles, 2 heterozygotes. Not counted in ClinVar's aggregate classification.
Comment: The c.1076dup (p.Leu359Phefs*6) variant in the PMS2 is located on the exon 10 and is predicted to cause reading frame shift that introduces a premature translation termination codon (p.Leu359Phefs*6), resulting in an absent or disrupted protein product. The variant has been reported in multiple individuals with Lynch syndrome-associated cancer (PMID: 30376427, 37308967, 18602922, 23012243). Loss-of-function variants in PMS2 are known to be pathogenic (PMID: 28514183, 25512458, 35223509). The variant is reported in ClinVar as pathogenic (ID: 91289) and reviewed by the expert panel. The variant is absent in the general population database (gnomAD). Therefore, the c.1076dup (p.Leu359Phefs*6) variant of PMS2 has been classified as pathogenic.

This study involves interpretation of variants in research participants for the purpose of population health screening. Participant phenotype was not available at the time of variant classification. Additional details can be found in publication PMID: 35346344, PMCID: PMC8962531

Ambry Genetics
Classification: Pathogenic for Hereditary cancer-predisposing syndrome. Last evaluated: 2024-09-19. Review status: criteria provided, single submitter. Criteria: Ambry Variant Classification Scheme 2023. Collection method: clinical testing. Allele origin: germline. Not counted in ClinVar's aggregate classification.
Comment: The c.1076dupT pathogenic mutation, located in coding exon 10 of the PMS2 gene, results from a duplication of T at nucleotide position 1076, causing a translational frameshift with a predicted alternate stop codon (p.L359Ffs*6). This mutation has also been identified in other affected and unaffected individuals with Lynch syndrome (Goodenberger ML et al. Genet. Med. 2016 Jan;18:13-9). This variant is considered to be rare based on population cohorts in the Genome Aggregation Database (gnomAD). In addition to the clinical data presented in the literature, this alteration is expected to result in loss of function by premature protein truncation or nonsense-mediated mRNA decay. As such, this alteration is interpreted as a disease-causing mutation.

Labcorp Genetics (formerly Invitae), Labcorp
Classification: Pathogenic for Hereditary nonpolyposis colorectal neoplasms. Last evaluated: 2024-07-24. Review status: criteria provided, single submitter. Criteria: Invitae Variant Classification Sherloc (09022015). Collection method: clinical testing. Allele origin: germline. Not counted in ClinVar's aggregate classification.
Comment: This sequence change creates a premature translational stop signal (p.Leu359Phefs*6) in the PMS2 gene. It is expected to result in an absent or disrupted protein product. Loss-of-function variants in PMS2 are known to be pathogenic (PMID: 21376568, 24362816). This variant is not present in population databases (gnomAD no frequency). This premature translational stop signal has been observed in individual(s) with Lynch syndrome (PMID: 18602922, 23012243). ClinVar contains an entry for this variant (Variation ID: 91289). For these reasons, this variant has been classified as Pathogenic.

Myriad Genetics, Inc.
Classification: Pathogenic for Lynch syndrome 4. Last evaluated: 2023-09-20. Review status: criteria provided, single submitter. Criteria: Myriad Autosomal Dominant, Autosomal Recessive and X-Linked Classification Criteria (2023). Collection method: clinical testing. Allele origin: unknown. Not counted in ClinVar's aggregate classification.
Comment: This variant is considered pathogenic. This variant creates a frameshift predicted to result in premature protein truncation.

Baylor Genetics
Classification: Pathogenic for Lynch syndrome 4. Last evaluated: 2023-05-28. Review status: criteria provided, single submitter. Criteria: ACMG Guidelines, 2015. Collection method: clinical testing. Allele origin: unknown. Not counted in ClinVar's aggregate classification.

Women's Health and Genetics/Laboratory Corporation of America, LabCorp
Classification: Pathogenic for Hereditary nonpolyposis colon cancer. Last evaluated: 2023-03-15. Review status: criteria provided, single submitter. Criteria: LabCorp Variant Classification Summary - May 2015. Collection method: clinical testing. Allele origin: germline. Not counted in ClinVar's aggregate classification.
Comment: Variant summary: PMS2 c.1076dupT (p.Leu359PhefsX6) results in a premature termination codon, predicted to cause a truncation of the encoded protein or absence of the protein due to nonsense mediated decay, which are commonly known mechanisms for disease. Truncations downstream of this position have been classified as pathogenic by our laboratory. The variant was absent in 251064 control chromosomes (gnomAD). c.1076dupT has been reported in the literature in at least three individuals affected with Lynch Syndrome-associated cancers, including at least one individual with a personal and family history of Lynch Syndrome-associated cancers and a loss of PMS2 determined by immunohistochemistry (e.g. Senter_2008, Goodenberger_2015, Lowery_2018, ten Broeke_2018). These data indicate that the variant is likely associated with disease. To our knowledge, no experimental evidence demonstrating an impact on protein function has been reported. Six submitters have provided clinical-significance assessments for this variant to ClinVar after 2014 and all classified the variant as pathogenic. Based on the evidence outlined above, the variant was classified as pathogenic.

Blueprint Genetics
Classification: Pathogenic for PMS2-related disorders. Last evaluated: 2023-01-25. Review status: criteria provided, single submitter. Criteria: ACMG Guidelines, 2015. Collection method: clinical testing. Allele origin: germline. Affected: yes. Observed: 1 variant allele. Not counted in ClinVar's aggregate classification.

MGZ Medical Genetics Center
Classification: Pathogenic for Lynch syndrome 4. Last evaluated: 2022-03-23. Review status: criteria provided, single submitter. Criteria: ACMG Guidelines, 2015. Collection method: clinical testing. Allele origin: germline. Affected: yes. Observed: 1 variant allele. Not counted in ClinVar's aggregate classification.
Comment: ACMG criteria applied: PVS1, PS4_MOD, PM2_SUP

Department of Pathology and Laboratory Medicine, Sinai Health System
Classification: Pathogenic for Lynch syndrome 4; Mismatch repair cancer syndrome 4. Last evaluated: 2018-11-12. Review status: criteria provided, single submitter. Criteria: ACMG Guidelines, 2015. Collection method: clinical testing. Allele origin: germline. Affected: yes. Not counted in ClinVar's aggregate classification.

Literature cited by the submitters: PubMed 18602922 (cited by 7 submitters); PubMed 23012243 (cited by 5 submitters); PubMed 25856668 (cited by 3 submitters); PubMed 30376427 (cited by 4 submitters); PubMed 25512458 (cited by All of Us Research Program, National Institutes of Health); PubMed 28514183 (cited by All of Us Research Program, National Institutes of Health); PubMed 35223509 (cited by All of Us Research Program, National Institutes of Health); PubMed 37308967 (cited by All of Us Research Program, National Institutes of Health); PubMed 21376568 (cited by Labcorp Genetics (formerly Invitae), Labcorp); PubMed 24362816 (cited by Labcorp Genetics (formerly Invitae), Labcorp); PubMed 29506128 (cited by Women's Health and Genetics/Laboratory Corporation of America, LabCorp); PubMed 30161022 (cited by Women's Health and Genetics/Laboratory Corporation of America, LabCorp).

NM_000535.7(PMS2):c.1076dup (p.Leu359fs)

Gene: PMS2 (PMS1 homolog 2, mismatch repair system component; minus strand). Cytogenetic location: 7p22.1.
Variant type: Duplication.
Coding change: c.1076dup on transcript NM_000535.7 (MANE Select); coding-DNA position 1076, one base duplicated (T; older notation c.1076dupT).
Protein change: p.Leu359fs; shifts the reading frame from leucine 359.
Molecular consequence: frameshift variant. On other transcripts: non-coding transcript variant (1), intron variant (2).
Genome position (GRCh38, 1-based): chr7:5,989,868, A duplicated on the plus strand (T on the coding strand, the reverse complement: PMS2 is on the minus strand); the first of 3 consecutive A bases (chr7:5,989,868-5,989,870); duplicating any one gives the same sequence. VCF-style (leftmost placement, unchanged base first): chr7-5989867-C-CA. GRCh37 (hg19) VCF-style: chr7-6029498-C-CA.
Other names: c.1076dupT (NM_000535.6, NM_000535.7); c.671dup, p.Leu224fs (NM_001322003.2, NM_001322004.2, NM_001322005.2 and 1 more transcripts); c.758dup, p.Leu253fs (NM_001322007.2, NM_001322008.2); c.143dup, p.Leu48fs (NM_001322011.2, NM_001322012.2); c.503dup, p.Leu168fs (NM_001322013.2); c.1076dup, p.Leu359fs (NM_001322014.2); c.767dup, p.Leu256fs (NM_001322015.2); c.583+2105dup (NM_001322010.2); and 1 more; short protein forms L253fs, L224fs, L359fs, L256fs, L48fs, L168fs.
Identifiers: ClinVar variation 91289 (VCV000091289.71), dbSNP rs267608156, ClinGen allele CA331732.